The following is an entry in ClinVar:

ClinVar aggregate classification (germline): Conflicting classifications of pathogenicity. Review status: criteria provided, conflicting classifications (1 of 4 stars). 2 submissions from 1 submitter: Uncertain significance (1); Benign (1). Last evaluated 2018-01-13.

Conditions:
Tumoral calcinosis, hyperphosphatemic, familial, 2. Identifiers: MedGen C4693863, MONDO:0060714, OMIM 617993.
Autosomal dominant hypophosphatemic rickets (ADHR). Also called: HYPOPHOSPHATEMIA, AUTOSOMAL DOMINANT; VITAMIN D-RESISTANT RICKETS, AUTOSOMAL DOMINANT. Identifiers: Orphanet 89937, MedGen C0342642, MONDO:0008660, OMIM 193100.

Allele frequency attached by ClinVar (database versions not stated): gnomAD exomes 0.00012; gnomAD 0.00064 and 0.00066; TOPMed 0.00077; 1000 Genomes Project 30x 0.00078; 1000 Genomes Project 0.00100.

Submissions (2):

Illumina Laboratory Services, Illumina
Classification: Benign for Autosomal dominant hypophosphatemic rickets. Last evaluated: 2018-01-13. Review status: criteria provided, single submitter. Criteria: ICSL Variant Classification Criteria 13 December 2019. Collection method: clinical testing. Allele origin: germline.
Comment: This variant was observed in the ICSL laboratory as part of a predisposition screen in an ostensibly healthy population. It had not been previously curated by ICSL or reported in the Human Gene Mutation Database (HGMD: prior to June 1st, 2018), and was therefore a candidate for classification through an automated scoring system. Utilizing variant allele frequency, disease prevalence and penetrance estimates, and inheritance mode, an automated score was calculated to assess if this variant is too frequent to cause the disease. Based on the score and internal cut-off values, a variant classified as benign is not then subjected to further curation. The score for this variant resulted in a classification of benign for this disease.

Illumina Laboratory Services, Illumina
Classification: Uncertain significance for Tumoral calcinosis, hyperphosphatemic, familial, 2. Last evaluated: 2018-01-13. Review status: criteria provided, single submitter. Criteria: ICSL Variant Classification Criteria 13 December 2019. Collection method: clinical testing. Allele origin: germline.

NM_020638.3(FGF23):c.*235C>T

Gene: FGF23 (fibroblast growth factor 23; minus strand). Cytogenetic location: 12p13.32.
Variant type: single nucleotide variant.
Coding change: c.*235C>T on transcript NM_020638.3 (MANE Select); 235 bases downstream of the stop codon, C replaced by T.
Molecular consequence: 3 prime UTR variant.
Genome position (GRCh38, 1-based): chr12:4,370,108, G>A on the plus strand (C>T on the coding strand, the complement: FGF23 is on the minus strand). VCF-style: chr12-4370108-G-A. GRCh37 (hg19) VCF-style: chr12-4479274-G-A.
Identifiers: ClinVar variation 882110 (VCV000882110.4), dbSNP rs566868058, ClinGen allele CA231757095.